The following is an entry in ClinVar:

ClinVar aggregate classification (germline): Uncertain significance (1 of 4 stars; one submission).

Conditions:
Pyogenic bacterial infections due to MyD88 deficiency (IMD68). Also called: PYOGENIC BACTERIAL INFECTIONS, RECURRENT, DUE TO MYD88 DEFICIENCY. Identifiers: Orphanet 183713, MedGen C2677092, MONDO:0012839, OMIM 612260.

Allele frequency attached by ClinVar (database versions not stated): TOPMed 0.00001.

Submission:

Labcorp Genetics (formerly Invitae), Labcorp
Classification: Uncertain significance for Pyogenic bacterial infections due to MyD88 deficiency. Last evaluated: 2019-12-19. Review status: criteria provided, single submitter. Criteria: Invitae Variant Classification Sherloc (09022015). Collection method: clinical testing. Allele origin: germline.
Comment: In summary, the available evidence is currently insufficient to determine the role of this variant in disease. Therefore, it has been classified as a Variant of Uncertain Significance. Algorithms developed to predict the effect of missense changes on protein structure and function output the following: SIFT: "Tolerated"; PolyPhen-2: "Benign"; Align-GVGD: "Class C0". The glutamic acid amino acid residue is found in multiple mammalian species, suggesting that this missense change does not adversely affect protein function. These predictions have not been confirmed by published functional studies and their clinical significance is uncertain. This variant has not been reported in the literature in individuals with MYD88-related conditions. This variant is not present in population databases (ExAC no frequency). This sequence change replaces alanine with glutamic acid at codon 158 of the MYD88 protein (p.Ala158Glu). The alanine residue is weakly conserved and there is a moderate physicochemical difference between alanine and glutamic acid.

NM_002468.5(MYD88):c.434C>A (p.Ala145Glu)

Gene: MYD88 (MYD88 innate immune signal transduction adaptor; plus strand). Cytogenetic location: 3p22.2.
Variant type: single nucleotide variant.
Coding change: c.434C>A on transcript NM_002468.5 (MANE Select); coding-DNA position 434, C replaced by A.
Protein change: p.Ala145Glu; replaces alanine 145 with glutamic acid.
Molecular consequence: missense variant. On other transcripts: intron variant (3).
Genome position (GRCh38, 1-based): chr3:38,139,969, C>A. VCF-style: chr3-38139969-C-A. GRCh37 (hg19) VCF-style: chr3-38181460-C-A.
Other names: c.434C>A, p.Ala145Glu (NM_001172567.2, NM_001172569.3, NM_001365876.1 and 1 more transcripts); c.329-419C>A (NM_001172568.2, NM_001365877.1); c.329-788C>A (NM_001172566.2); short protein forms A145E.
Identifiers: ClinVar variation 846019 (VCV000846019.7), dbSNP rs1216607510, ClinGen allele CA352130723.